The following is an entry in ClinVar:

ClinVar aggregate classification (germline): Pathogenic (1 of 4 stars; one submission).

Submission:

GeneDx
Classification: Pathogenic. Last evaluated: 2024-06-04. Review status: criteria provided, single submitter. Criteria: GeneDx Variant Classification Process June 2021. Collection method: clinical testing. Allele origin: germline. Affected: yes.
Comment: Frameshift variant predicted to result in protein truncation or nonsense mediated decay in a gene for which loss of function is a known mechanism of disease; Not observed at significant frequency in large population cohorts (gnomAD); Has not been previously published as pathogenic or benign to our knowledge

NM_015107.3(PHF8):c.464_465del (p.Lys155fs)

Gene: PHF8 (PHD finger protein 8; minus strand). Cytogenetic location: Xp11.22.
Variant type: Deletion.
Coding change: c.464_465del on transcript NM_015107.3 (MANE Select); coding-DNA positions 464 to 465, 2 bases deleted (AA; older notation c.464_465delAA).
Protein change: p.Lys155fs; shifts the reading frame from lysine 155.
Molecular consequence: frameshift variant.
Genome position (GRCh38, 1-based): chrX:54,016,726-54,016,727, TT deleted on the plus strand (AA on the coding strand, the reverse complement: PHF8 is on the minus strand); deleting any 2 consecutive bases within chrX:54,016,726-54,016,728 gives the same sequence; the c. name uses the placement nearest the transcript's 3' end. VCF-style (leftmost placement, unchanged base first): chrX-54016725-CTT-C. GRCh37 (hg19) VCF-style: chrX-54043158-CTT-C.
Other names: c.572_573del, p.Lys191fs (NM_001184896.1); c.464_465del, p.Lys155fs (NM_001184897.2, NM_001184898.2); short protein forms K155fs, K191fs.
Identifiers: ClinVar variation 3384386 (VCV003384386.1).